The following is an entry in ClinVar:

NM_006231.4(POLE):c.3959G>A (p.Arg1320Gln)

Gene: POLE (DNA polymerase epsilon, catalytic subunit; minus strand). Cytogenetic location: 12q24.33.
Variant type: single nucleotide variant.
Coding change: c.3959G>A on transcript NM_006231.4 (MANE Select); coding-DNA position 3959, G replaced by A.
Protein change: p.Arg1320Gln; replaces arginine 1320 with glutamine.
Molecular consequence: missense variant.
Genome position (GRCh38, 1-based): chr12:132,649,352, C>T on the plus strand (G>A on the coding strand, the complement: POLE is on the minus strand). VCF-style: chr12-132649352-C-T. GRCh37 (hg19) VCF-style: chr12-133225938-C-T.
Other names: short protein forms R1320Q.
Identifiers: ClinVar variation 240494 (VCV000240494.19), dbSNP rs772663586, ClinGen allele CA6893045.
Genomic context (GRCh38, chr12:132,649,352, plus strand): 5'-ATCAAGGTCTATACCTGCACAATCTGCCACGGAAGGTCCAGGATGCTGCGGGCAGTTCTT[C>T]GCAAGAAGCTCCCCAGCCCCGTGGCAGGACCATCCCGGATGGCCCCGGGCCTGAGCACAC-3'
Protein context (NP_006222.2, residues 1310-1330): GPATGLGSFL[Arg1320Gln]RTARSILDLP

ClinVar aggregate classification (germline): Uncertain significance. Review status: criteria provided, multiple submitters, no conflicts (2 of 4 stars). 5 submissions from 5 submitters: Uncertain significance (4). 1 of the submissions does not count toward it. Last evaluated 2026-01-26.

Conditions:
POLE-related disorder. Also called: POLE-related disorders; POLE-related condition.
Hereditary cancer-predisposing syndrome. Also called: Tumor predisposition; Neoplastic Syndromes, Hereditary; Hereditary Cancer Syndrome; Hereditary neoplastic syndrome. Identifiers: Orphanet 140162, MedGen C0027672, MeSH D009386, MONDO:0015356.

Allele frequency attached by ClinVar (database versions not stated): gnomAD 0.00001; gnomAD exomes 0.00001 and 0.00003; TOPMed 0.00001; ExAC 0.00003.
gnomAD v4.1: 25 of 1,613,522 alleles (0.0015%); highest among the groups gnomAD compares: South Asian, 0.018%; no homozygotes.

Submissions (5):

Labcorp Genetics (formerly Invitae), Labcorp
Classification: Uncertain significance. Last evaluated: 2026-01-26. Review status: criteria provided, single submitter. Criteria: Invitae Variant Classification Sherloc (09022015). Collection method: clinical testing. Allele origin: germline.
Comment: This sequence change replaces arginine, which is basic and polar, with glutamine, which is neutral and polar, at codon 1320 of the POLE protein (p.Arg1320Gln). This variant is present in population databases (rs772663586, gnomAD 0.02%). This variant has not been reported in the literature in individuals affected with POLE-related conditions. ClinVar contains an entry for this variant (Variation ID: 240494). Invitae Evidence Modeling of protein sequence and biophysical properties (such as structural, functional, and spatial information, amino acid conservation, physicochemical variation, residue mobility, and thermodynamic stability) indicates that this missense variant is not expected to disrupt POLE protein function with a negative predictive value of 80%. In summary, the available evidence is currently insufficient to determine the role of this variant in disease. Therefore, it has been classified as a Variant of Uncertain Significance.

Ambry Genetics
Classification: Uncertain significance for Hereditary cancer-predisposing syndrome. Last evaluated: 2025-01-03. Review status: criteria provided, single submitter. Criteria: Ambry Variant Classification Scheme 2023. Collection method: clinical testing. Allele origin: germline.
Comment: The p.R1320Q variant (also known as c.3959G>A), located in coding exon 31 of the POLE gene, results from a G to A substitution at nucleotide position 3959. The arginine at codon 1320 is replaced by glutamine, an amino acid with highly similar properties. This amino acid position is well conserved in available vertebrate species. In addition, this alteration is predicted to be tolerated by in silico analysis. Based on the available evidence, the clinical significance of this variant remains unclear.

GeneDx
Classification: Uncertain significance. Last evaluated: 2023-11-07. Review status: criteria provided, single submitter. Criteria: GeneDx Variant Classification Process June 2021. Collection method: clinical testing. Allele origin: germline. Affected: yes.
Comment: In silico analysis supports that this missense variant does not alter protein structure/function; Has not been previously published as pathogenic or benign to our knowledge

Quest Diagnostics Nichols Institute San Juan Capistrano
Classification: Uncertain significance. Last evaluated: 2019-05-07. Review status: criteria provided, single submitter. Criteria: Quest Diagnostics criteria. Collection method: clinical testing. Allele origin: germline.

PreventionGenetics, part of Exact Sciences
Classification: Uncertain significance for POLE-related condition. Last evaluated: 2024-07-24. Review status: no assertion criteria provided. Collection method: clinical testing. Allele origin: germline. Not counted in ClinVar's aggregate classification.
Comment: The POLE c.3959G>A variant is predicted to result in the amino acid substitution p.Arg1320Gln. To our knowledge, this variant has not been reported in the literature. This variant is reported in 0.020% of alleles in individuals of South Asian descent in gnomAD. At this time, the clinical significance of this variant is uncertain due to the absence of conclusive functional and genetic evidence.